The following is an entry in ClinVar:

ClinVar aggregate classification (germline): Conflicting classifications of pathogenicity. Review status: criteria provided, conflicting classifications (1 of 4 stars). 3 submissions from 3 submitters: Likely pathogenic (1); Uncertain significance (2). Last evaluated 2025-11-10.

Conditions:
Inborn genetic diseases. Identifiers: MedGen C0950123, MeSH D030342.

Allele frequency attached by ClinVar (database versions not stated): ExAC 0.00002; gnomAD exomes 0.00002; gnomAD 0.00004 and 0.00005; TOPMed 0.00008; 1000 Genomes Project 0.00020; 1000 Genomes Project 30x 0.00031.
gnomAD v4.1: 20 of 1,610,006 alleles (0.0012%); highest among the groups gnomAD compares: Middle Eastern, 0.033%; no homozygotes.

Submissions (3):

Labcorp Genetics (formerly Invitae), Labcorp
Classification: Likely pathogenic. Last evaluated: 2025-11-10. Review status: criteria provided, single submitter. Criteria: Invitae Variant Classification Sherloc (09022015). Collection method: clinical testing. Allele origin: germline.
Comment: This sequence change replaces isoleucine, which is neutral and non-polar, with valine, which is neutral and non-polar, at codon 99 of the SCN3A protein (p.Ile99Val). This variant is present in population databases (rs200538599, gnomAD 0.01%). This missense change has been observed in individuals with clinical features of SCN3A-related conditions (internal data). ClinVar contains an entry for this variant (Variation ID: 197285). Invitae Evidence Modeling of protein sequence and biophysical properties (such as structural, functional, and spatial information, amino acid conservation, physicochemical variation, residue mobility, and thermodynamic stability) has been performed for this missense variant. However, the output from this modeling did not meet the statistical confidence thresholds required to predict the impact of this variant on SCN3A protein function. In summary, the currently available evidence indicates that the variant is pathogenic, but additional data are needed to prove that conclusively. Therefore, this variant has been classified as Likely Pathogenic.

Ambry Genetics
Classification: Uncertain significance for Inborn genetic diseases. Last evaluated: 2022-11-03. Review status: criteria provided, single submitter. Criteria: Ambry Variant Classification Scheme 2023. Collection method: clinical testing. Allele origin: germline.
Comment: The c.295A>G (p.I99V) alteration is located in exon 4 (coding exon 2) of the SCN3A gene. This alteration results from a A to G substitution at nucleotide position 295, causing the isoleucine (I) at amino acid position 99 to be replaced by a valine (V). The in silico prediction for the p.I99V alteration is inconclusive. Based on insufficient or conflicting evidence, the clinical significance of this alteration remains unclear.

Eurofins Ntd Llc (ga)
Classification: Uncertain significance. Last evaluated: 2014-11-22. Review status: criteria provided, single submitter. Criteria: EGL Classification Definitions 2015. Collection method: clinical testing. Allele origin: germline. Observed: 1 variant allele, 1 heterozygote.

NM_006922.4(SCN3A):c.295A>G (p.Ile99Val)

Gene: SCN3A (sodium voltage-gated channel alpha subunit 3; minus strand). Cytogenetic location: 2q24.3.
Variant type: single nucleotide variant.
Coding change: c.295A>G on transcript NM_006922.4 (MANE Select); coding-DNA position 295, A replaced by G.
Protein change: p.Ile99Val; replaces isoleucine 99 with valine.
Molecular consequence: missense variant.
Genome position (GRCh38, 1-based): chr2:165,170,518, T>C on the plus strand (A>G on the coding strand, the complement: SCN3A is on the minus strand). VCF-style: chr2-165170518-T-C. GRCh37 (hg19) VCF-style: chr2-166027028-T-C.
Other names: c.295A>G, p.Ile99Val (NM_001081676.2, NM_001081677.2); short protein forms I99V.
Identifiers: ClinVar variation 197285 (VCV000197285.13), dbSNP rs200538599, ClinGen allele CA245330.